The following is an entry in ClinVar:

ClinVar aggregate classification (germline): Conflicting classifications of pathogenicity. Review status: criteria provided, conflicting classifications (1 of 4 stars). 5 submissions from 5 submitters: Uncertain significance (1); Benign (1); Likely benign (2). 1 of the submissions does not count toward it. Last evaluated 2026-09-01.

Conditions:
Imerslund-Grasbeck syndrome. Also called: Imerslund-Gräsbeck syndrome; Megaloblastic anemia due to inborn errors of metabolism; PERNICIOUS ANEMIA, JUVENILE, DUE TO SELECTIVE INTESTINAL MALABSORPTION OF VITAMIN B12, WITH PROTEINURIA; ENTEROCYTE COBALAMIN MALABSORPTION; ENTEROCYTE INTRINSIC FACTOR RECEPTOR, DEFECT OF. Identifiers: Orphanet 35858, MedGen C4551825, MONDO:0009853.

Allele frequency attached by ClinVar (database versions not stated): TOPMed 0.00102; ExAC 0.00116; 1000 Genomes Project 0.00160; gnomAD exomes 0.00166 and 0.00212; 1000 Genomes Project 30x 0.00172; gnomAD 0.00286 and 0.00296.
gnomAD v4.1: 2,691 of 1,515,198 alleles (0.18%); highest among the groups gnomAD compares: Middle Eastern, 0.16%; 17 homozygotes.

Submissions (5):

CeGaT Center for Human Genetics Tuebingen
Classification: Likely benign. Last evaluated: 2026-09-01. Review status: criteria provided, single submitter. Criteria: CeGaT Center For Human Genetics Tuebingen Variant Classification Criteria Version 2. Collection method: clinical testing. Allele origin: germline. Affected: yes. Observed: 1 variant allele.
Comment: AMN: BP4

Labcorp Genetics (formerly Invitae), Labcorp
Classification: Benign for Imerslund-Grasbeck syndrome. Last evaluated: 2026-01-28. Review status: criteria provided, single submitter. Criteria: Invitae Variant Classification Sherloc (09022015). Collection method: clinical testing. Allele origin: germline.

Blueprint Genetics
Classification: Likely benign. Last evaluated: 2024-10-30. Review status: criteria provided, single submitter. Criteria: ACMG Guidelines, 2015. Collection method: clinical testing. Allele origin: germline.

ARUP Laboratories, Molecular Genetics and Genomics, ARUP Laboratories
Classification: Uncertain significance. Last evaluated: 2016-11-01. Review status: criteria provided, single submitter. Criteria: ARUP Molecular Germline Variant Investigation Process. Collection method: clinical testing. Allele origin: germline.

Juha Muilu Group; Institute for Molecular Medicine Finland (FIMM)
Classification: Likely pathogenic for Megaloblastic anemia due to inborn errors of metabolism. Review status: no assertion criteria provided. Collection method: not provided. Allele origin: unknown. Not counted in ClinVar's aggregate classification.
Comment: FinDis database variant: This variant was not found or characterized by our laboratory, data were collected from public sources: see reference
ClinVar note: Converted during submission from probable-pathogenic to Likely pathogenic.

NM_030943.4(AMN):c.1170-6C>T

Gene: AMN (amnion associated transmembrane protein; plus strand). Cytogenetic location: 14q32.32.
Variant type: single nucleotide variant.
Coding change: c.1170-6C>T on transcript NM_030943.4 (MANE Select); 6 bases into the intron before coding-DNA position 1170, C replaced by T.
Molecular consequence: intron variant.
Genome position (GRCh38, 1-based): chr14:102,930,400, C>T. VCF-style: chr14-102930400-C-T. GRCh37 (hg19) VCF-style: chr14-103396737-C-T.
Identifiers: ClinVar variation 56745 (VCV000056745.20), dbSNP rs386834164, ClinGen allele CA144403.